The following is an entry in ClinVar:

ClinVar aggregate classification (germline): Likely pathogenic (1 of 4 stars; one submission).

Submission:

Labcorp Genetics (formerly Invitae), Labcorp
Classification: Likely pathogenic. Last evaluated: 2020-11-17. Review status: criteria provided, single submitter. Criteria: Invitae Variant Classification Sherloc (09022015). Collection method: clinical testing. Allele origin: germline.
Comment: This variant results in a copy number gain of the genomic region encompassing exon(s) 4-21 of the LRPPRC gene. While the exact position of this variant cannot be determined from the data, sub-genic copy number gains are generally in tandem (PMID: 25640679). This variant is predicted to be out-of-frame, and may result in an absent or disrupted protein product. Loss-of-function variants in LRPPRC are known to be pathogenic (PMID: 26510951). This variant has not been reported in the literature in individuals with LRPPRC-related conditions. In summary, the currently available evidence indicates that the variant is pathogenic, but additional data are needed to prove that conclusively. Therefore, this variant has been classified as Likely Pathogenic.

Literature cited by the submitters: PubMed 25640679; PubMed 26510951.

NC_000002.11:g.(?_44173242)_(44204425_?)dup

Gene: LRPPRC (leucine rich pentatricopeptide repeat containing; minus strand). Cytogenetic location: 2p21.
Variant type: Duplication.
Identifiers: ClinVar variation 1346204 (VCV001346204.3).